The following is an entry in ClinVar:

ClinVar aggregate classification (germline): Uncertain significance (1 of 4 stars; one submission).

Conditions:
Autosomal recessive distal spinal muscular atrophy 1. Also called: SEVERE INFANTILE AXONAL NEUROPATHY WITH RESPIRATORY FAILURE; SPINAL MUSCULAR ATROPHY, DIAPHRAGMATIC; NEURONOPATHY, SEVERE INFANTILE AXONAL, WITH RESPIRATORY FAILURE; Spinal muscular atrophy with respiratory distress 1; NEURONOPATHY, DISTAL HEREDITARY MOTOR, HARDING TYPE VI; NEUROPATHY, DISTAL HEREDITARY MOTOR, AUTOSOMAL RECESSIVE 1. Identifiers: Orphanet 98920, MedGen C1858517, MONDO:0011436, OMIM 604320.
Charcot-Marie-Tooth disease axonal type 2S. Also called: CHARCOT-MARIE-TOOTH NEUROPATHY, TYPE 2S; CHARCOT-MARIE-TOOTH DISEASE, AXONAL, AUTOSOMAL RECESSIVE, TYPE 2S. Identifiers: Orphanet 443073, MedGen C4015349, MONDO:0014511, OMIM 616155.

Allele frequency attached by ClinVar (database versions not stated): gnomAD exomes below 0.00001.
gnomAD v4.1: 2 of 1,612,314 alleles (0.00012%); highest among the groups gnomAD compares: Non-Finnish European, 0.00017%; no homozygotes.

Submission:

Labcorp Genetics (formerly Invitae), Labcorp
Classification: Uncertain significance for Autosomal recessive distal spinal muscular atrophy 1; Charcot-Marie-Tooth disease axonal type 2S. Last evaluated: 2024-02-12. Review status: criteria provided, single submitter. Criteria: Invitae Variant Classification Sherloc (09022015). Collection method: clinical testing. Allele origin: germline.
Comment: This sequence change replaces proline, which is neutral and non-polar, with alanine, which is neutral and non-polar, at codon 796 of the IGHMBP2 protein (p.Pro796Ala). This variant is not present in population databases (gnomAD no frequency). This variant has not been reported in the literature in individuals affected with IGHMBP2-related conditions. ClinVar contains an entry for this variant (Variation ID: 650321). Advanced modeling of protein sequence and biophysical properties (such as structural, functional, and spatial information, amino acid conservation, physicochemical variation, residue mobility, and thermodynamic stability) performed at Invitae indicates that this missense variant is not expected to disrupt IGHMBP2 protein function with a negative predictive value of 95%. In summary, the available evidence is currently insufficient to determine the role of this variant in disease. Therefore, it has been classified as a Variant of Uncertain Significance.

NM_002180.3(IGHMBP2):c.2386C>G (p.Pro796Ala)

Gene: IGHMBP2 (immunoglobulin mu DNA binding protein 2; plus strand). Cytogenetic location: 11q13.3.
Variant type: single nucleotide variant.
Coding change: c.2386C>G on transcript NM_002180.3 (MANE Select); coding-DNA position 2386, C replaced by G.
Protein change: p.Pro796Ala; replaces proline 796 with alanine.
Molecular consequence: missense variant.
Genome position (GRCh38, 1-based): chr11:68,936,866, C>G. VCF-style: chr11-68936866-C-G. GRCh37 (hg19) VCF-style: chr11-68704334-C-G.
Other names: short protein forms P796A.
Identifiers: ClinVar variation 650321 (VCV000650321.8), dbSNP rs1438075631, ClinGen allele CA381653473.